The following is an entry in ClinVar:

NM_001040436.3(YARS2):c.1274+187_1274+189dup

Gene: YARS2 (tyrosyl-tRNA synthetase 2; minus strand). Cytogenetic location: 12p11.21.
Variant type: Duplication.
Coding change: c.1274+187_1274+189dup on transcript NM_001040436.3 (MANE Select); bases 187 to 189 of the intron after coding-DNA position 1274, 3 bases duplicated (AAA; older notation c.1274+187_1274+189dupAAA).
Molecular consequence: intron variant.
Genome position (GRCh38, 1-based): chr12:32,749,748-32,749,750, TTT duplicated on the plus strand (AAA on the coding strand, the reverse complement: YARS2 is on the minus strand). VCF-style (leftmost placement, unchanged base first): chr12-32749747-A-ATTT. GRCh37 (hg19) VCF-style: chr12-32902681-A-ATTT.
Identifiers: ClinVar variation 680984 (VCV000680984.1), dbSNP rs369800082, ClinGen allele CA235214777.

ClinVar aggregate classification (germline): Benign (1 of 4 stars; one submission).

Allele frequency attached by ClinVar (database versions not stated): gnomAD 0.04494 and 0.04726; TOPMed 0.04914; 1000 Genomes Project 0.05112; 1000 Genomes Project 30x 0.05340.

Submission:

GeneDx
Classification: Benign. Last evaluated: 2018-06-14. Review status: criteria provided, single submitter. Criteria: GeneDx Variant Classification (06012015). Collection method: clinical testing. Allele origin: germline. Affected: yes.
Comment: This variant is considered likely benign or benign based on one or more of the following criteria: it is a conservative change, it occurs at a poorly conserved position in the protein, it is predicted to be benign by multiple in silico algorithms, and/or has population frequency not consistent with disease.